The following is an entry in ClinVar:

NM_015909.4(NBAS):c.3704-3T>C

Gene: NBAS (NBAS subunit of NRZ tethering complex; minus strand). Cytogenetic location: 2p24.3.
Variant type: single nucleotide variant.
Coding change: c.3704-3T>C on transcript NM_015909.4 (MANE Select); 3 bases into the intron before coding-DNA position 3704, T replaced by C.
Molecular consequence: intron variant.
Genome position (GRCh38, 1-based): chr2:15,366,696, A>G on the plus strand (T>C on the coding strand, the complement: NBAS is on the minus strand). VCF-style: chr2-15366696-A-G. GRCh37 (hg19) VCF-style: chr2-15506820-A-G.
Identifiers: ClinVar variation 2182063 (VCV002182063.4), dbSNP rs752199112, ClinGen allele CA1535934.

ClinVar aggregate classification (germline): Uncertain significance (1 of 4 stars; one submission).

Allele frequency attached by ClinVar (database versions not stated): gnomAD 0.00001; gnomAD exomes 0.00001; ExAC 0.00002; TOPMed 0.00002.
gnomAD v4.1: 13 of 1,613,300 alleles (0.00081%); highest among the groups gnomAD compares: Admixed American, 0.0033%; no homozygotes.

Submission:

Labcorp Genetics (formerly Invitae), Labcorp
Classification: Uncertain significance. Last evaluated: 2025-09-28. Review status: criteria provided, single submitter. Criteria: Invitae Variant Classification Sherloc (09022015). Collection method: clinical testing. Allele origin: germline.
Comment: This sequence change falls in intron 31 of the NBAS gene. It does not directly change the encoded amino acid sequence of the NBAS protein. It affects a nucleotide within the consensus splice site. This variant is present in population databases (rs752199112, gnomAD 0.006%). This variant has not been reported in the literature in individuals affected with NBAS-related conditions. ClinVar contains an entry for this variant (Variation ID: 2182063). Variants that disrupt the consensus splice site are a relatively common cause of aberrant splicing (PMID: 17576681, 9536098). Algorithms developed to predict the effect of sequence changes on RNA splicing suggest that this variant is not likely to affect RNA splicing. In summary, the available evidence is currently insufficient to determine the role of this variant in disease. Therefore, it has been classified as a Variant of Uncertain Significance.

Literature cited by the submitters: PubMed 17576681; PubMed 9536098.